The following is an entry in ClinVar:

NM_005060.4(RORC):c.67A>G (p.Thr23Ala)

Gene: RORC (RAR related orphan receptor C; minus strand). Cytogenetic location: 1q21.3.
Variant type: single nucleotide variant.
Coding change: c.67A>G on transcript NM_005060.4 (MANE Select); coding-DNA position 67, A replaced by G.
Protein change: p.Thr23Ala; replaces threonine 23 with alanine.
Molecular consequence: missense variant.
Genome position (GRCh38, 1-based): chr1:151,829,432, T>C on the plus strand (A>G on the coding strand, the complement: RORC is on the minus strand). VCF-style: chr1-151829432-T-C. GRCh37 (hg19) VCF-style: chr1-151801908-T-C.
Other names: short protein forms T23A.
Identifiers: ClinVar variation 1511303 (VCV001511303.6), dbSNP rs1454953785, ClinGen allele CA342023511.

ClinVar aggregate classification (germline): Uncertain significance (1 of 4 stars; one submission).

Conditions:
Autosomal recessive mendelian susceptibility to mycobacterial diseases due to complete RORgamma receptor deficiency. Also called: Immunodeficiency 42. Identifiers: Orphanet 477857, MedGen C5567647, MONDO:0014710, OMIM 616622.

Allele frequency attached by ClinVar (database versions not stated): gnomAD exomes below 0.00001; gnomAD 0.00001.
gnomAD v4.1: 3 of 1,536,686 alleles (0.0002%); highest among the groups gnomAD compares: South Asian, 0.0038%; no homozygotes.

Submission:

Labcorp Genetics (formerly Invitae), Labcorp
Classification: Uncertain significance for Autosomal recessive mendelian susceptibility to mycobacterial diseases due to complete RORgamma receptor deficiency. Last evaluated: 2022-09-01. Review status: criteria provided, single submitter. Criteria: Invitae Variant Classification Sherloc (09022015). Collection method: clinical testing. Allele origin: germline.
Comment: In summary, the available evidence is currently insufficient to determine the role of this variant in disease. Therefore, it has been classified as a Variant of Uncertain Significance. This sequence change replaces threonine, which is neutral and polar, with alanine, which is neutral and non-polar, at codon 23 of the RORC protein (p.Thr23Ala). This variant is not present in population databases (gnomAD no frequency). This variant has not been reported in the literature in individuals affected with RORC-related conditions. ClinVar contains an entry for this variant (Variation ID: 1511303). Algorithms developed to predict the effect of missense changes on protein structure and function (SIFT, PolyPhen-2, Align-GVGD) all suggest that this variant is likely to be tolerated.